The following is an entry in ClinVar:

NM_004370.6(COL12A1):c.3800C>T (p.Ala1267Val)

Gene: COL12A1 (collagen type XII alpha 1 chain; minus strand). Cytogenetic location: 6q13.
Variant type: single nucleotide variant.
Coding change: c.3800C>T on transcript NM_004370.6 (MANE Select); coding-DNA position 3800, C replaced by T.
Protein change: p.Ala1267Val; replaces alanine 1267 with valine.
Molecular consequence: missense variant.
Genome position (GRCh38, 1-based): chr6:75,152,166, G>A on the plus strand (C>T on the coding strand, the complement: COL12A1 is on the minus strand). VCF-style: chr6-75152166-G-A. GRCh37 (hg19) VCF-style: chr6-75861882-G-A.
Other names: c.3800C>T, p.Ala1267Val (NM_001424113.1, NM_001424114.1); c.3527C>T, p.Ala1176Val (NM_001424115.1); c.308C>T, p.Ala103Val (NM_001424116.1, NM_080645.3); short protein forms A103V, A1176V, A1267V.
Identifiers: ClinVar variation 2951987 (VCV002951987.3), dbSNP rs2533400474, ClinGen allele CA364749200.

ClinVar aggregate classification (germline): Uncertain significance (1 of 4 stars; one submission).

Conditions:
Ullrich congenital muscular dystrophy 2 (UCMD2). Identifiers: Orphanet 75840, MedGen C4225314, MONDO:0014654, OMIM 616470.
Bethlem myopathy 2 (BTHLM2). Identifiers: Orphanet 536516, Orphanet 610, MedGen C4225313, MONDO:0034022, OMIM 616471.

Submission:

Labcorp Genetics (formerly Invitae), Labcorp
Classification: Uncertain significance for Bethlem myopathy 2; Ullrich congenital muscular dystrophy 2. Last evaluated: 2023-09-17. Review status: criteria provided, single submitter. Criteria: Invitae Variant Classification Sherloc (09022015). Collection method: clinical testing. Allele origin: germline.
Comment: This sequence change replaces alanine, which is neutral and non-polar, with valine, which is neutral and non-polar, at codon 1267 of the COL12A1 protein (p.Ala1267Val). This variant is not present in population databases (gnomAD no frequency). This variant has not been reported in the literature in individuals affected with COL12A1-related conditions. Advanced modeling of protein sequence and biophysical properties (such as structural, functional, and spatial information, amino acid conservation, physicochemical variation, residue mobility, and thermodynamic stability) performed at Invitae indicates that this missense variant is not expected to disrupt COL12A1 protein function. In summary, the available evidence is currently insufficient to determine the role of this variant in disease. Therefore, it has been classified as a Variant of Uncertain Significance.